The following is an entry in ClinVar:

ClinVar aggregate classification (germline): Pathogenic (1 of 4 stars; one submission).

Conditions:
Combined malonic and methylmalonic acidemia. Identifiers: Orphanet 289504, MedGen C3280314, MONDO:0013661, OMIM 614265.

Submission:

Labcorp Genetics (formerly Invitae), Labcorp
Classification: Pathogenic for Combined malonic and methylmalonic acidemia. Last evaluated: 2023-02-14. Review status: criteria provided, single submitter. Criteria: Invitae Variant Classification Sherloc (09022015). Collection method: clinical testing. Allele origin: germline.
Comment: This sequence change creates a premature translational stop signal (p.Glu135Thrfs*10) in the ACSF3 gene. It is expected to result in an absent or disrupted protein product. Loss-of-function variants in ACSF3 are known to be pathogenic (PMID: 21841779, 26827111). This variant is not present in population databases (gnomAD no frequency). This variant has not been reported in the literature in individuals affected with ACSF3-related conditions. For these reasons, this variant has been classified as Pathogenic.

Literature cited by the submitters: PubMed 21841779; PubMed 26827111.

NM_001243279.3(ACSF3):c.323_402dup (p.Glu135delinsThrSerTrpProSerGlyArgHisGlyTer)

Gene: ACSF3 (acyl-CoA synthetase family member 3; plus strand). Cytogenetic location: 16q24.3.
Variant type: Duplication.
Coding change: c.323_402dup on transcript NM_001243279.3 (MANE Select); coding-DNA positions 323 to 402, 80 bases duplicated.
Protein change: p.Glu135delinsThrSerTrpProSerGlyArgHisGlyTer.
Molecular consequence: nonsense. On other transcripts: non-coding transcript variant (3), intron variant (1).
Genome position (GRCh38, 1-based): chr16:89,101,004-89,101,083, 80 bases duplicated. GRCh37 (hg19): chr16:89,167,412-89,167,491.
Other names: c.323_402dup, p.Glu135delinsThrSerTrpProSerGlyArgHisGlyTer (NM_001127214.4, NM_174917.5); c.-129-1600_-129-1521dup (NM_001284316.2).
Identifiers: ClinVar variation 2837043 (VCV002837043.3), dbSNP rs2543521676, ClinGen allele CA2739266978.